The following is an entry in ClinVar:

ClinVar aggregate classification (germline): Uncertain significance. Review status: criteria provided, multiple submitters, no conflicts (2 of 4 stars). 2 submissions from 2 submitters: Uncertain significance (2). Last evaluated 2023-10-01.

Conditions:
Retinal dystrophy. Also called: Inherited retinal dystrophy. Identifiers: Orphanet 71862, MedGen C0854723, MeSH D058499, MONDO:0019118, HP:0000556.

Allele frequency attached by ClinVar (database versions not stated): gnomAD 0.00001.
gnomAD v4.1: 31 of 1,613,238 alleles (0.0019%); highest among the groups gnomAD compares: East Asian, 0.02%; no homozygotes.

Submissions (2):

Dept Of Ophthalmology, Nagoya University
Classification: Uncertain significance for Retinal dystrophy. Last evaluated: 2023-10-01. Review status: criteria provided, single submitter. Criteria: Submitter's publication. Collection method: research. Allele origin: germline. Affected: yes.

Labcorp Genetics (formerly Invitae), Labcorp
Classification: Uncertain significance. Last evaluated: 2021-04-22. Review status: criteria provided, single submitter. Criteria: Invitae Variant Classification Sherloc (09022015). Collection method: clinical testing. Allele origin: germline.
Comment: This sequence change replaces proline with serine at codon 109 of the RP1L1 protein (p.Pro109Ser). The proline residue is weakly conserved and there is a moderate physicochemical difference between proline and serine. This variant is present in population databases (rs753986463, ExAC 0.006%). This variant has not been reported in the literature in individuals with RP1L1-related conditions. Advanced modeling of protein sequence and biophysical properties (such as structural, functional, and spatial information, amino acid conservation, physicochemical variation, residue mobility, and thermodynamic stability) performed at Invitae indicates that this missense variant is not expected to disrupt RP1L1 protein function. In summary, the available evidence is currently insufficient to determine the role of this variant in disease. Therefore, it has been classified as a Variant of Uncertain Significance.

NM_178857.6(RP1L1):c.325C>T (p.Pro109Ser)

Gene: RP1L1 (RP1 like 1). Cytogenetic location: 8p23.1.
Variant type: single nucleotide variant.
Coding change: c.325C>T on transcript NM_178857.6 (MANE Select); coding-DNA position 325, C replaced by T.
Protein change: p.Pro109Ser; replaces proline 109 with serine.
Molecular consequence: missense variant.
Genome position (GRCh38, 1-based): chr8:10,622,877, G>A on the plus strand (C>T on the coding strand, the complement: RP1L1 is on the minus strand). VCF-style: chr8-10622877-G-A. GRCh37 (hg19) VCF-style: chr8-10480387-G-A.
Other names: short protein forms P109S.
Identifiers: ClinVar variation 1347385 (VCV001347385.9), dbSNP rs753986463, ClinGen allele CA4625764.